The following is an entry in ClinVar:

NM_000152.5(GAA):c.1566_1569del (p.Ser523fs)

Gene: GAA (alpha glucosidase; plus strand). Cytogenetic location: 17q25.3.
Variant type: Deletion.
Coding change: c.1566_1569del on transcript NM_000152.5 (MANE Select); coding-DNA positions 1566 to 1569, 4 bases deleted (TTCC; older notation c.1566_1569delTTCC).
Protein change: p.Ser523fs; shifts the reading frame from serine 523.
Molecular consequence: frameshift variant.
Genome position (GRCh38, 1-based): chr17:80,110,955-80,110,958, TTCC deleted; deleting any 4 consecutive bases within chr17:80,110,953-80,110,958 gives the same sequence; the c. name uses the placement nearest the transcript's 3' end. VCF-style (leftmost placement, unchanged base first): chr17-80110952-GCCTT-G. GRCh37 (hg19) VCF-style: chr17-78084751-GCCTT-G.
Other names: c.1566_1569del, p.Ser523fs (NM_001079803.3, NM_001079804.3, NM_001406741.1 and 1 more transcripts); short protein forms S523fs.
Identifiers: ClinVar variation 4081411 (VCV004081411.2).

ClinVar aggregate classification (germline): Pathogenic/Likely pathogenic. Review status: criteria provided, multiple submitters, no conflicts (2 of 4 stars). 2 submissions from 2 submitters: Pathogenic (1); Likely pathogenic (1). Last evaluated 2025-03-24.

Conditions:
Glycogen storage disease, type II (IOPD). Also called: Pompe Disease; Aglucosidase alfa; Deficiency of alpha-glucosidase; Deficiency of lysosomal alpha-glucosidase; POMPE DISEASE, INFANTILE-ONSET; GLYCOGEN STORAGE DISEASE II, INFANTILE-ONSET. Identifiers: Orphanet 365, MedGen C0017921, MONDO:0009290, OMIM 232300.

Submissions (2):

Revvity Omics, Revvity
Classification: Likely pathogenic. Last evaluated: 2025-03-24. Review status: criteria provided, single submitter. Criteria: ACMG Guidelines, 2015. Collection method: clinical testing. Allele origin: germline.

Labcorp Genetics (formerly Invitae), Labcorp
Classification: Pathogenic for Glycogen storage disease, type II. Last evaluated: 2025-02-17. Review status: criteria provided, single submitter. Criteria: Invitae Variant Classification Sherloc (09022015). Collection method: clinical testing. Allele origin: germline.
Comment: This sequence change creates a premature translational stop signal (p.Ser523Thrfs*54) in the GAA gene. It is expected to result in an absent or disrupted protein product. Loss-of-function variants in GAA are known to be pathogenic (PMID: 18425781, 22252923). This variant is not present in population databases (gnomAD no frequency). This variant has not been reported in the literature in individuals affected with GAA-related conditions. For these reasons, this variant has been classified as Pathogenic.

Literature cited by the submitters: PubMed 18425781 (cited by Labcorp Genetics (formerly Invitae), Labcorp); PubMed 22252923 (cited by Labcorp Genetics (formerly Invitae), Labcorp).